The following is an entry in ClinVar:

ClinVar aggregate classification (germline): Pathogenic (1 of 4 stars; one submission).

Submission:

Labcorp Genetics (formerly Invitae), Labcorp
Classification: Pathogenic. Last evaluated: 2023-10-13. Review status: criteria provided, single submitter. Criteria: Invitae Variant Classification Sherloc (09022015). Collection method: clinical testing. Allele origin: unknown.
Comment: This variant is a gross deletion of the genomic region encompassing exon(s) 3-5 of the EYS gene, which includes the initiator codon. This deletion extends beyond the assayed region for this gene and therefore may encompass additional genes. It is expected to result in an absent or disrupted protein product. Loss-of-function variants in EYS are known to be pathogenic (PMID: 18836446, 20333770). This variant has not been reported in the literature in individuals affected with EYS-related conditions. For these reasons, this variant has been classified as Pathogenic.

Literature cited by the submitters: PubMed 18836446; PubMed 20333770.

NC_000006.11:g.(?_66200467)_(66205886_?)del

Gene: EYS (eyes shut homolog; minus strand). Cytogenetic location: 6q12.
Variant type: Deletion.
Identifiers: ClinVar variation 3246118 (VCV003246118.1).